The following is an entry in ClinVar:

NM_001394028.1(PYY):c.*149C>A

Gene: PYY (peptide YY; minus strand). Cytogenetic location: 17q21.31.
Variant type: single nucleotide variant.
Coding change: c.*149C>A on transcript NM_001394028.1 (MANE Select); 149 bases downstream of the stop codon, C replaced by A.
Molecular consequence: 3 prime UTR variant.
Genome position (GRCh38, 1-based): chr17:43,952,807, G>T on the plus strand (C>A on the coding strand, the complement: PYY is on the minus strand). VCF-style: chr17-43952807-G-T. GRCh37 (hg19) VCF-style: chr17-42030175-G-T.
Other names: c.*298C>A (NM_001394029.1); c.*149C>A (NM_004160.6).
Identifiers: ClinVar variation 1249578 (VCV001249578.3), dbSNP rs162431, ClinGen allele CA14402578.

ClinVar aggregate classification (germline): Benign. Review status: criteria provided, multiple submitters, no conflicts (2 of 4 stars). 2 submissions from 2 submitters: Benign (2). Last evaluated 2018-07-09.

Allele frequency attached by ClinVar (database versions not stated): gnomAD 0.09044; TOPMed 0.10622; 1000 Genomes Project 30x 0.21721.

Submissions (2):

GeneDx
Classification: Benign. Last evaluated: 2018-07-09. Review status: criteria provided, single submitter. Criteria: GeneDx Variant Classification Process June 2021. Collection method: clinical testing. Allele origin: germline. Affected: yes.
Comment: This variant is associated with the following publications: (PMID: 19820027)

Breakthrough Genomics
Classification: Benign. Review status: criteria provided, single submitter. Criteria: ACMG Guidelines, 2015. Collection method: not provided. Allele origin: germline. Inheritance: Unknown mechanism. Affected: yes.